The following is an entry in ClinVar:

ClinVar aggregate classification (germline): Uncertain significance (1 of 4 stars; one submission).

Submission:

Labcorp Genetics (formerly Invitae), Labcorp
Classification: Uncertain significance. Last evaluated: 2021-07-14. Review status: criteria provided, single submitter. Criteria: Invitae Variant Classification Sherloc (09022015). Collection method: clinical testing. Allele origin: germline.
Comment: This variant is not present in population databases (ExAC no frequency). In summary, the available evidence is currently insufficient to determine the role of this variant in disease. Therefore, it has been classified as a Variant of Uncertain Significance. This variant has not been reported in the literature in individuals affected with COL18A1-related conditions. This sequence change creates a premature translational stop signal (p.Glu105Glyfs*12) in the COL18A1 gene. However, it is currently unclear if variants that occur in this region of the gene cause disease. The COL18A1 gene has multiple clinically relevant transcripts. This variant occurs in alternate transcript NM_030582.4, and corresponds to NM_130445.3:c.107-12400_107-12399dup in the primary transcript.

NM_001379500.1(COL18A1):c.107-12400_107-12399dup

Gene: COL18A1 (collagen type XVIII alpha 1 chain; plus strand). Cytogenetic location: 21q22.3.
Variant type: Duplication.
Coding change: c.107-12400_107-12399dup on transcript NM_001379500.1 (MANE Select); 12400 bases into the intron before coding-DNA position 107 through 12399 bases into the intron before coding-DNA position 107, 2 bases duplicated (GG; older notation c.107-12400_107-12399dupGG).
Molecular consequence: intron variant. On other transcripts: frameshift variant (2).
Genome position (GRCh38, 1-based): chr21:45,455,842-45,455,843, GG duplicated. VCF-style (leftmost placement, unchanged base first): chr21-45455841-A-AGG. GRCh37 (hg19) VCF-style: chr21-46875755-A-AGG.
Other names: c.312_313dup, p.Glu105fs (NM_030582.4, NM_130444.3); short protein forms E105fs.
Identifiers: ClinVar variation 1505424 (VCV001505424.6), dbSNP rs2145851763, ClinGen allele CA2573157439.